The following is an entry in ClinVar:

NM_001105562.3(UBE4B):c.3225G>C (p.Gln1075His)

Gene: UBE4B (ubiquitination factor E4B; plus strand). Cytogenetic location: 1p36.22.
Variant type: single nucleotide variant.
Coding change: c.3225G>C on transcript NM_001105562.3 (MANE Select); coding-DNA position 3225, G replaced by C.
Protein change: p.Gln1075His; replaces glutamine 1075 with histidine.
Molecular consequence: missense variant.
Genome position (GRCh38, 1-based): chr1:10,168,162, G>C. VCF-style: chr1-10168162-G-C. GRCh37 (hg19) VCF-style: chr1-10228220-G-C.
Other names: c.3378G>C, p.Gln1126His (NM_001410744.1); c.2838G>C, p.Gln946His (NM_006048.5); short protein forms Q1075H, Q1126H, Q946H.
Identifiers: ClinVar variation 2638197 (VCV002638197.24), dbSNP rs147961171, ClinGen allele CA580389.
Genomic context (GRCh38, chr1:10,168,162, plus strand): 5'-GAGCCTTACTCAGCGTCTGTTCGATGTGTCCTAGGATCAGCAGCAGGCTCGTCAGTCTCA[G>C]CTTGCTCAGGATGAGCGTGTGTCCCGCTCTTACCTCGCCCTGGCCACCGAAACCGTGGAC-3'
Protein context (NP_001099032.1, residues 1065-1085): PRDQQQARQS[Gln1075His]LAQDERVSRS

ClinVar aggregate classification (germline): Benign (1 of 4 stars; one submission).

Allele frequency attached by ClinVar (database versions not stated): 1000 Genomes Project 30x 0.00531; 1000 Genomes Project 0.00539; TOPMed 0.00608; ESP Exome Variant Server 0.00730; ExAC 0.00795.
gnomAD v4.1: 14,639 of 1,614,132 alleles (0.91%); highest among the groups gnomAD compares: Non-Finnish European, 1.1%; 94 homozygotes.

Submission:

CeGaT Center for Human Genetics Tuebingen
Classification: Benign. Last evaluated: 2026-08-01. Review status: criteria provided, single submitter. Criteria: CeGaT Center For Human Genetics Tuebingen Variant Classification Criteria Version 2. Collection method: clinical testing. Allele origin: germline. Affected: yes. Observed: 5 variant alleles.
Comment: UBE4B: BS1, BS2